The following is an entry in ClinVar:

NM_001353921.2(ARHGEF9):c.181G>C (p.Glu61Gln)

Gene: ARHGEF9 (Cdc42 guanine nucleotide exchange factor 9; minus strand). Cytogenetic location: Xq11.1.
Variant type: single nucleotide variant.
Coding change: c.181G>C on transcript NM_001353921.2 (MANE Select); coding-DNA position 181, G replaced by C.
Protein change: p.Glu61Gln; replaces glutamic acid 61 with glutamine.
Molecular consequence: missense variant. On other transcripts: 5 prime UTR variant (2), intron variant (6).
Genome position (GRCh38, 1-based): chrX:63,724,561, C>G on the plus strand (G>C on the coding strand, the complement: ARHGEF9 is on the minus strand). VCF-style: chrX-63724561-C-G. GRCh37 (hg19) VCF-style: chrX-62944441-C-G.
Other names: c.97G>C, p.Glu33Gln (NM_001330495.2, NM_001353927.2, NM_001369033.1 and 8 more transcripts); c.181G>C, p.Glu61Gln (NM_001353922.2); c.199G>C, p.Glu67Gln (NM_001353923.1); c.160G>C, p.Glu54Gln (NM_001353928.2, NM_001369030.1, NM_001369031.1 and 2 more transcripts); c.-283G>C (NM_001369042.1); c.-523G>C (NM_001369045.1); c.31-18112G>C (NM_001173479.2); c.10-18112G>C (NM_001369040.1, NM_001369039.1, NM_001353926.2 and 1 more transcripts); and 1 more; short protein forms E33Q, E54Q, E61Q, E67Q.
Identifiers: ClinVar variation 3363850 (VCV003363850.2).

ClinVar aggregate classification (germline): Uncertain significance. Review status: criteria provided, multiple submitters, no conflicts (2 of 4 stars). 2 submissions from 2 submitters: Uncertain significance (2). Last evaluated 2025-04-30.

Conditions:
Developmental and epileptic encephalopathy, 8 (DEE8). Also called: HYPEREKPLEXIA AND EPILEPSY. Identifiers: Orphanet 163985, Orphanet 2076, MedGen C1845102, MONDO:0010375, OMIM 300607.

Submissions (2):

Laboratorio de Genetica e Diagnostico Molecular, Hospital Israelita Albert Einstein
Classification: Uncertain significance for Developmental and epileptic encephalopathy, 8. Last evaluated: 2025-04-30. Review status: criteria provided, single submitter. Criteria: ACMG Guidelines, 2015. Collection method: clinical testing. Allele origin: germline. Affected: yes.
Comment: ACMG classification criteria: PM2 supporting, BP4 supporting

GeneDx
Classification: Uncertain significance. Last evaluated: 2023-11-08. Review status: criteria provided, single submitter. Criteria: GeneDx Variant Classification Process June 2021. Collection method: clinical testing. Allele origin: germline. Affected: yes.
Comment: Not observed at significant frequency in large population cohorts (gnomAD); In silico analysis supports that this missense variant has a deleterious effect on protein structure/function; Has not been previously published as pathogenic or benign to our knowledge